The following is an entry in ClinVar:

ClinVar aggregate classification (germline): Uncertain significance (1 of 4 stars; one submission).

Conditions:
Cardiovascular phenotype. Identifiers: MedGen CN230736.

gnomAD v4.1: 1 of 1,614,112 alleles (0.000062%); highest among the groups gnomAD compares: Admixed American, 0.0017%; no homozygotes.

Submission:

Ambry Genetics
Classification: Uncertain significance for Cardiovascular phenotype. Last evaluated: 2025-10-29. Review status: criteria provided, single submitter. Criteria: Ambry Variant Classification Scheme 2023. Collection method: clinical testing. Allele origin: germline.
Comment: The p.V2066G variant (also known as c.6197T>G), located in coding exon 26 of the APOB gene, results from a T to G substitution at nucleotide position 6197. The valine at codon 2066 is replaced by glycine, an amino acid with dissimilar properties. This amino acid position is conserved. In addition, this alteration is predicted to be tolerated by in silico analysis. Based on the available evidence, the clinical significance of this variant remains unclear.

NM_000384.3(APOB):c.6197T>G (p.Val2066Gly)

Gene: APOB (apolipoprotein B; minus strand). Cytogenetic location: 2p24.1.
Variant type: single nucleotide variant.
Coding change: c.6197T>G on transcript NM_000384.3 (MANE Select); coding-DNA position 6197, T replaced by G.
Protein change: p.Val2066Gly; replaces valine 2066 with glycine.
Molecular consequence: missense variant.
Genome position (GRCh38, 1-based): chr2:21,010,671, A>C on the plus strand (T>G on the coding strand, the complement: APOB is on the minus strand). VCF-style: chr2-21010671-A-C. GRCh37 (hg19) VCF-style: chr2-21233543-A-C.
Other names: short protein forms V2066G.
Identifiers: ClinVar variation 4613671 (VCV004613671.1).
Genomic context (GRCh38, chr2:21,010,671, plus strand): 5'-TGTCGATTCCTCTCAAAATATTCTTGCAAGGTCTCAAAAAATGGGAGGTTAATGGAGTGA[A>C]CATCTTGGTTTTTATCATACTTTACAAAAGCAACAATTGTAAATTCTTGGGGCTTCTCAA-3'
Protein context (NP_000375.3, residues 2056-2076): AFVKYDKNQD[Val2066Gly]HSINLPFFET